The following is an entry in ClinVar:

NM_006231.4(POLE):c.4290+5C>T

Gene: POLE (DNA polymerase epsilon, catalytic subunit; minus strand). Cytogenetic location: 12q24.33.
Variant type: single nucleotide variant.
Coding change: c.4290+5C>T on transcript NM_006231.4 (MANE Select); 5 bases into the intron after coding-DNA position 4290, C replaced by T.
Molecular consequence: intron variant.
Genome position (GRCh38, 1-based): chr12:132,643,832, G>A on the plus strand (C>T on the coding strand, the complement: POLE is on the minus strand). VCF-style: chr12-132643832-G-A. GRCh37 (hg19) VCF-style: chr12-133220418-G-A.
Identifiers: ClinVar variation 380226 (VCV000380226.43), dbSNP rs5744936, ClinGen allele CA6892919.

ClinVar aggregate classification (germline): Benign/Likely benign. Review status: criteria provided, multiple submitters, no conflicts (2 of 4 stars). 20 submissions from 20 submitters: Benign (13); Likely benign (1). 6 of the submissions do not count toward it. Last evaluated 2026-02-04.

Conditions:
Carcinoma of colon (CRC). Also called: Colonic carcinoma; Colon carcinoma. Identifiers: MedGen C0699790, MONDO:0002032.
Hereditary cancer-predisposing syndrome. Also called: Tumor predisposition; Neoplastic Syndromes, Hereditary; Hereditary neoplastic syndrome; Hereditary Cancer Syndrome. Identifiers: Orphanet 140162, MedGen C0027672, MeSH D009386, MONDO:0015356.
Colorectal cancer, susceptibility to, 12 (CRCS12). Also called: COLORECTAL CANCER, SUSCEPTIBILITY TO, ON CHROMOSOME 12q24. Identifiers: Orphanet 220460, MedGen C3554460, MONDO:0014038, OMIM 615083.

Allele frequency attached by ClinVar (database versions not stated): ESP Exome Variant Server 0.01653; TOPMed 0.01719; 1000 Genomes Project 30x 0.02030; gnomAD 0.02053 and 0.02075; 1000 Genomes Project 0.02157; gnomAD exomes 0.02339 and 0.02359; ExAC 0.02403.
gnomAD v4.1: 37,169 of 1,612,088 alleles (2.3%); highest among the groups gnomAD compares: East Asian, 2.9%; 528 homozygotes.

Submissions (20):

Labcorp Genetics (formerly Invitae), Labcorp
Classification: Benign. Last evaluated: 2026-02-04. Review status: criteria provided, single submitter. Criteria: Invitae Variant Classification Sherloc (09022015). Collection method: clinical testing. Allele origin: germline.

ARUP Laboratories, Molecular Genetics and Genomics, ARUP Laboratories
Classification: Benign. Last evaluated: 2025-07-21. Review status: criteria provided, single submitter. Criteria: ARUP Molecular Germline Variant Investigation Process 2024. Collection method: clinical testing. Allele origin: germline.

Center for Genomic Medicine, Rigshospitalet, Copenhagen University Hospital
Classification: Benign. Last evaluated: 2025-03-04. Review status: criteria provided, single submitter. Criteria: ACMG Guidelines, 2015. Collection method: clinical testing. Allele origin: germline.

Institute for Biomarker Research, Medical Diagnostic Laboratories, L.L.C.
Classification: Benign for Hereditary cancer-predisposing syndrome. Last evaluated: 2025-01-20. Review status: criteria provided, single submitter. Criteria: ACMG Guidelines, 2015. Collection method: clinical testing. Allele origin: germline.
Comment: The splice region variant NM_006231.4(POLE):c.4290+5C>T has been reported to ClinVar as Benign with a status of (2 stars) criteria provided, multiple submitters, no conflicts (Variation ID 380226 as of 2025-01-02). The c.4290+5C>T variant is observed in 108/5,008 (2.1565%) alleles from individuals of 1kG All background in 1kG, indicating it is a common benign variant. The c.4290+5C>T variant is not predicted to disrupt the existing donor splice site 3bp upstream by any splice site algorithm. The c.4290+5C>T variant is predicted to introduce a novel splice site by 1 of 4 splice site algorithms. The c.4290+5C>T variant results in a substitution of a base that is not predicted conserved by GERP++ and PhyloP. For these reasons, this variant has been classified as Benign

Blueprint Genetics
Classification: Likely benign. Last evaluated: 2024-11-27. Review status: criteria provided, single submitter. Criteria: ACMG Guidelines, 2015. Collection method: clinical testing. Allele origin: germline.

KCCC/NGS Laboratory, Kuwait Cancer Control Center
Classification: Benign for Colorectal cancer, susceptibility to, 12. Last evaluated: 2023-07-07. Review status: criteria provided, single submitter. Criteria: ACMG Guidelines, 2015. Collection method: clinical testing. Allele origin: germline. Affected: yes.

Mayo Clinic Laboratories, Mayo Clinic
Classification: Benign. Last evaluated: 2021-07-15. Review status: criteria provided, single submitter. Criteria: ACMG Guidelines, 2015. Collection method: clinical testing. Allele origin: germline. Observed: 42 variant alleles.

Sema4
Classification: Benign for Hereditary cancer-predisposing syndrome. Last evaluated: 2020-02-24. Review status: criteria provided, single submitter. Criteria: Sema4 Curation Guidelines. Collection method: curation. Allele origin: germline.

GeneDx
Classification: Benign. Last evaluated: 2016-12-01. Review status: criteria provided, single submitter. Criteria: GeneDx Variant Classification (06012015). Collection method: clinical testing. Allele origin: germline. Affected: yes.
Comment: This variant is considered likely benign or benign based on one or more of the following criteria: it is a conservative change, it occurs at a poorly conserved position in the protein, it is predicted to be benign by multiple in silico algorithms, and/or has population frequency not consistent with disease.

PreventionGenetics, part of Exact Sciences
Classification: Benign. Last evaluated: 2016-11-22. Review status: criteria provided, single submitter. Criteria: ACMG Guidelines, 2015. Collection method: clinical testing. Allele origin: germline.

Quest Diagnostics Nichols Institute San Juan Capistrano
Classification: Benign. Last evaluated: 2016-10-28. Review status: criteria provided, single submitter. Criteria: Quest Diagnostics criteria. Collection method: clinical testing. Allele origin: germline.

Women's Health and Genetics/Laboratory Corporation of America, LabCorp
Classification: Benign. Last evaluated: 2016-05-19. Review status: criteria provided, single submitter. Criteria: LabCorp Variant Classification Summary - May 2015. Collection method: clinical testing. Allele origin: germline.
Comment: Variant summary: The POLE c.4290+5C>T variant involves the alteration of a non-conserved nucleotide located in an intronic position outside of the canonical slice sites. Mutation taster predicts a damaging outcome for this variant while 5/5 in silico tools via Alamut predict the variant no to have a significant impact on splicing. The variant was found in 2827/117634 control chromosomes (40 homozygotes) at a frequency of 0.0240322, which is approximately 1692 times the estimated maximal expected allele frequency of a pathogenic POLE variant (0.0000142), suggesting this variant is likely a benign polymorphism. The variant of interest has not, to our knowledge, been reported in affected individuals via publications and/or reputable databases/clinical diagnostic laboratories; nor evaluated for functional impact by in vivo/vitro studies. Taken together, this variant is classified as Benign.

Ambry Genetics
Classification: Benign for Hereditary cancer-predisposing syndrome. Last evaluated: 2015-05-21. Review status: criteria provided, single submitter. Criteria: Ambry Variant Classification Scheme 2023. Collection method: clinical testing. Allele origin: germline.

Breakthrough Genomics
Classification: Benign. Review status: criteria provided, single submitter. Criteria: ACMG Guidelines, 2015. Collection method: not provided. Allele origin: germline. Inheritance: Autosomal recessive inheritance. Affected: yes.

True Health Diagnostics
Classification: Likely benign for Hereditary cancer-predisposing syndrome. Last evaluated: 2018-02-28. Review status: no assertion criteria provided. Collection method: clinical testing. Allele origin: germline. Not counted in ClinVar's aggregate classification.

Clinical Genetics, Academic Medical Center
Classification: Benign. Review status: no assertion criteria provided. Collection method: clinical testing. Allele origin: germline. Affected: yes. Study: VKGL Data-share Consensus. Not counted in ClinVar's aggregate classification.

Department of Pathology and Laboratory Medicine, Sinai Health System
Classification: Benign for Carcinoma of colon. Review status: no assertion criteria provided. Collection method: clinical testing. Allele origin: unknown. Affected: yes. Study: The Canadian Open Genetics Repository (COGR). Not counted in ClinVar's aggregate classification.
Comment: The POLE c.4290+5C>T variant was not identified in the literature nor was it identified in the Cosmic and MutDB databases. The variant was identified in dbSNP (ID: rs5744936) â€šÃ„ÃºWith Benign alleleâ€šÃ„Ã¹, ClinVar (classified benign by GeneDx, Invitae, Ambry Genetics and Quest Diagnostics Nichols Institute San Juan Capistrano), Clinvitae (2x), and in control databases in 6696 (102 homozygous) of 276312 chromosomes at a frequency of 0.02 increasing the likelihood this could be a low frequency benign variant (Genome Aggregation Database Feb 27, 2017). Breakdown of the observations by population include African in 94 (1 homozygous) of 24002 chromosomes (freq: 0.004), Other in 171 (1 homozygous) of 6448 chromosomes (freq: 0.03), Latino in 414 (2 homozygous) of 34364 chromosomes (freq: 0.01), European Non-Finnish in 3397 (47 homozygous) of 126076 chromosomes (freq: 0.03), Ashkenazi Jewish in 162 (1 homozygous) of 10110 chromosomes (freq: 0.02), East Asian in 626 (12 homozygous) of 18858 chromosomes (freq: 0.03), European Finnish in 1086 (27 homozygous) of 25750 chromosomes (freq: 0.04), and South Asian in 746 (11 homozygous) of 30704 chromosomes (freq: 0.02). The c.4290+5C>T variant is located in the 5' splice region but does not affect the invariant +1 and +2 positions. However, positions +3 to +6 are part of the splicing consensus sequence and variants involving these positions sometimes affect splicing. In silico or computational prediction software programs (SpliceSiteFinder, MaxEntScan, NNSPLICE, GeneSplicer, HumanSpliceFinder) do not predict a difference in splicing. In summary, based on the above information this variant meets our laboratory's criteria to be classified as benign.

Genome Diagnostics Laboratory, Amsterdam University Medical Center
Classification: Likely benign. Review status: no assertion criteria provided. Collection method: clinical testing. Allele origin: germline. Affected: yes. Study: VKGL Data-share Consensus. Not counted in ClinVar's aggregate classification.

Genome Diagnostics Laboratory, University Medical Center Utrecht
Classification: Benign. Review status: no assertion criteria provided. Collection method: clinical testing. Allele origin: germline. Affected: yes. Study: VKGL Data-share Consensus. Not counted in ClinVar's aggregate classification.

Laboratory of Diagnostic Genome Analysis, Leiden University Medical Center (LUMC)
Classification: Benign. Review status: no assertion criteria provided. Collection method: clinical testing. Allele origin: germline. Affected: yes. Study: VKGL Data-share Consensus. Not counted in ClinVar's aggregate classification.